The following is an entry in ClinVar:

ClinVar aggregate classification (germline): Likely benign (1 of 4 stars; one submission).

Submission:

Mayo Clinic Laboratories, Mayo Clinic
Classification: Likely benign. Last evaluated: 2025-07-09. Review status: criteria provided, single submitter. Criteria: ACMG Guidelines, 2015. Collection method: clinical testing. Allele origin: germline. Observed: 1 variant allele.
Comment: BP4, BP7, PM2_supporting

NM_000419.5(ITGA2B):c.188+4A>G

Gene: ITGA2B (integrin subunit alpha 2b; minus strand). Cytogenetic location: 17q21.31.
Variant type: single nucleotide variant.
Coding change: c.188+4A>G on transcript NM_000419.5 (MANE Select); 4 bases into the intron after coding-DNA position 188, A replaced by G.
Molecular consequence: intron variant.
Genome position (GRCh38, 1-based): chr17:44,389,282, T>C on the plus strand (A>G on the coding strand, the complement: ITGA2B is on the minus strand). VCF-style: chr17-44389282-T-C. GRCh37 (hg19) VCF-style: chr17-42466650-T-C.
Other names: p.?.
Identifiers: ClinVar variation 4684228 (VCV004684228.1).
Genomic context (GRCh38, chr17:44,389,282, plus strand): 5'-CCAGAAGCAGTGATGGGGAGGGGTCCTGCTCTCTCCCAATACCCCAACTTCCCTTACGGC[T>C]CACCTCCCATGGCTGTCCTTGTGGAAGTCCAGTGAAAATCCAAACTGGCTGCCATTGGGG-3'